The following is an entry in ClinVar:

ClinVar aggregate classification (germline): Likely benign. Review status: criteria provided, multiple submitters, no conflicts (2 of 4 stars). 2 submissions from 2 submitters: Likely benign (2). Last evaluated 2024-10-17.

Allele frequency attached by ClinVar (database versions not stated): gnomAD exomes below 0.00001.
gnomAD v4.1: 5 of 1,611,680 alleles (0.00031%); highest among the groups gnomAD compares: Non-Finnish European, 0.00042%; no homozygotes.

Submissions (2):

Labcorp Genetics (formerly Invitae), Labcorp
Classification: Likely benign. Last evaluated: 2024-10-17. Review status: criteria provided, single submitter. Criteria: Invitae Variant Classification Sherloc (09022015). Collection method: clinical testing. Allele origin: germline.

CeGaT Center for Human Genetics Tuebingen
Classification: Likely benign. Last evaluated: 2022-07-01. Review status: criteria provided, single submitter. Criteria: CeGaT Center For Human Genetics Tuebingen Variant Classification Criteria Version 2. Collection method: clinical testing. Allele origin: germline. Affected: yes. Observed: 1 variant allele.
Comment: DDX59: PM2:Supporting, BP4, BP7

NM_001031725.6(DDX59):c.1077A>G (p.Leu359=)

Gene: DDX59 (DEAD-box helicase 59; minus strand). Cytogenetic location: 1q32.1.
Variant type: single nucleotide variant.
Coding change: c.1077A>G on transcript NM_001031725.6 (MANE Select); coding-DNA position 1077, A replaced by G.
Protein change: p.Leu359=; no amino-acid change (leucine 359 retained).
Molecular consequence: synonymous variant. On other transcripts: intron variant (3).
Genome position (GRCh38, 1-based): chr1:200,650,662, T>C on the plus strand (A>G on the coding strand, the complement: DDX59 is on the minus strand). VCF-style: chr1-200650662-T-C. GRCh37 (hg19) VCF-style: chr1-200619790-T-C.
Other names: c.1077A>G, p.Leu359= (NM_001320181.2, NM_001349799.3, NM_001349800.3 and 2 more transcripts); c.1063-6145A>G (NM_001349804.2); c.1063-1436A>G (NM_001349803.3); c.973-1436A>G (NM_001320182.1).
Identifiers: ClinVar variation 1564320 (VCV001564320.31), dbSNP rs2102858601, ClinGen allele CA422811362.